The following is an entry in ClinVar:

NM_032620.4(GTPBP3):c.1066T>C (p.Ser356Pro)

Gene: GTPBP3 (GTP binding protein 3, mitochondrial; plus strand). Cytogenetic location: 19p13.11.
Variant type: single nucleotide variant.
Coding change: c.1066T>C on transcript NM_032620.4 (MANE Select); coding-DNA position 1066, T replaced by C.
Protein change: p.Ser356Pro; replaces serine 356 with proline.
Molecular consequence: missense variant.
Genome position (GRCh38, 1-based): chr19:17,341,135, T>C. VCF-style: chr19-17341135-T-C. GRCh37 (hg19) VCF-style: chr19-17451944-T-C.
Other names: c.1003T>C, p.Ser335Pro (NM_001128855.3); c.1132T>C, p.Ser378Pro (NM_001195422.1); c.1162T>C, p.Ser388Pro (NM_133644.4); c.1162T>C (NM_133644.3); short protein forms S335P, S378P, S388P, S356P.
Identifiers: ClinVar variation 2082032 (VCV002082032.2), dbSNP rs2074426876, ClinGen allele CA404738727.

ClinVar aggregate classification (germline): Conflicting classifications of pathogenicity. Review status: criteria provided, conflicting classifications (1 of 4 stars). 2 submissions from 2 submitters: Uncertain significance (1); Likely benign (1). Last evaluated 2024-02-27.

Conditions:
Inborn genetic diseases. Identifiers: MedGen C0950123, MeSH D030342.

Submissions (2):

Ambry Genetics
Classification: Likely benign for Inborn genetic diseases. Last evaluated: 2024-02-27. Review status: criteria provided, single submitter. Criteria: Ambry Variant Classification Scheme 2023. Collection method: clinical testing. Allele origin: germline.

Labcorp Genetics (formerly Invitae), Labcorp
Classification: Uncertain significance. Last evaluated: 2022-10-17. Review status: criteria provided, single submitter. Criteria: Invitae Variant Classification Sherloc (09022015). Collection method: clinical testing. Allele origin: germline.
Comment: This sequence change replaces serine, which is neutral and polar, with proline, which is neutral and non-polar, at codon 388 of the GTPBP3 protein (p.Ser388Pro). This variant is not present in population databases (gnomAD no frequency). This variant has not been reported in the literature in individuals affected with GTPBP3-related conditions. Algorithms developed to predict the effect of missense changes on protein structure and function output the following: SIFT: "Tolerated"; PolyPhen-2: "Benign"; Align-GVGD: "Class C0". The proline amino acid residue is found in multiple mammalian species, which suggests that this missense change does not adversely affect protein function. In summary, the available evidence is currently insufficient to determine the role of this variant in disease. Therefore, it has been classified as a Variant of Uncertain Significance.